The following is an entry in ClinVar:

ClinVar aggregate classification (germline): Conflicting classifications of pathogenicity. Review status: criteria provided, conflicting classifications (1 of 4 stars). 2 submissions from 2 submitters: Likely pathogenic (1); Uncertain significance (1). Last evaluated 2021-12-13.

Conditions:
Bethlem myopathy 1A. Also called: Bethlem Muscular Dystrophy; MYOPATHY, BENIGN CONGENITAL, WITH CONTRACTURES; Bethlem myopathy 1. Identifiers: Orphanet 610, MedGen CN029274, MONDO:0024530, OMIM 158810.

Allele frequency attached by ClinVar (database versions not stated): TOPMed below 0.00001; ExAC 0.00001; gnomAD 0.00001.
gnomAD v4.1: 7 of 1,614,092 alleles (0.00043%); highest among the groups gnomAD compares: Non-Finnish European, 0.00051%; no homozygotes.

Submissions (2):

Labcorp Genetics (formerly Invitae), Labcorp
Classification: Uncertain significance for Bethlem myopathy 1A. Last evaluated: 2021-12-13. Review status: criteria provided, single submitter. Criteria: Invitae Variant Classification Sherloc (09022015). Collection method: clinical testing. Allele origin: germline.
Comment: ClinVar contains an entry for this variant (Variation ID: 498274). This sequence change replaces glycine, which is neutral and non-polar, with serine, which is neutral and polar, at codon 2267 of the COL6A3 protein (p.Gly2267Ser). This variant is not present in population databases (gnomAD no frequency). This variant has not been reported in the literature in individuals affected with COL6A3-related conditions. Advanced modeling of protein sequence and biophysical properties (such as structural, functional, and spatial information, amino acid conservation, physicochemical variation, residue mobility, and thermodynamic stability) performed at Invitae indicates that this missense variant is expected to disrupt COL6A3 protein function. In summary, the available evidence is currently insufficient to determine the role of this variant in disease. Therefore, it has been classified as a Variant of Uncertain Significance.

Eurofins Ntd Llc (ga)
Classification: Likely pathogenic. Last evaluated: 2016-11-03. Review status: criteria provided, single submitter. Criteria: EGL Classification Definitions 2015. Collection method: clinical testing. Allele origin: germline. Observed: 1 variant allele, 1 heterozygote.

NM_004369.4(COL6A3):c.6799G>A (p.Gly2267Ser)

Gene: COL6A3 (collagen type VI alpha 3 chain; minus strand). Cytogenetic location: 2q37.3.
Variant type: single nucleotide variant.
Coding change: c.6799G>A on transcript NM_004369.4 (MANE Select); coding-DNA position 6799, G replaced by A.
Protein change: p.Gly2267Ser; replaces glycine 2267 with serine.
Molecular consequence: missense variant.
Genome position (GRCh38, 1-based): chr2:237,351,147, C>T on the plus strand (G>A on the coding strand, the complement: COL6A3 is on the minus strand). VCF-style: chr2-237351147-C-T. GRCh37 (hg19) VCF-style: chr2-238259790-C-T.
Other names: c.4978G>A, p.Gly1660Ser (NM_057166.5); c.6181G>A, p.Gly2061Ser (NM_057167.4); short protein forms G2267S, G1660S, G2061S.
Identifiers: ClinVar variation 498274 (VCV000498274.10), dbSNP rs749855513, ClinGen allele CA2188081.